The following is an entry in ClinVar:

NM_003036.4(SKI):c.131A>T (p.Gln44Leu)

Gene: SKI (SKI proto-oncogene; plus strand). Cytogenetic location: 1p36.33.
Variant type: single nucleotide variant.
Coding change: c.131A>T on transcript NM_003036.4 (MANE Select); coding-DNA position 131, A replaced by T.
Protein change: p.Gln44Leu; replaces glutamine 44 with leucine.
Molecular consequence: missense variant.
Genome position (GRCh38, 1-based): chr1:2,228,897, A>T. VCF-style: chr1-2228897-A-T. GRCh37 (hg19) VCF-style: chr1-2160336-A-T.
Other names: short protein forms Q44L.
Identifiers: ClinVar variation 1769862 (VCV001769862.3), dbSNP rs1233481050, ClinGen allele CA337952149.

ClinVar aggregate classification (germline): Uncertain significance (1 of 4 stars; one submission).

Conditions:
Familial thoracic aortic aneurysm and aortic dissection (TAAD). Also called: Thoracic aortic aneurysms and dissections. Identifiers: Orphanet 91387, MedGen C4707243, MONDO:0019625.

Submission:

Ambry Genetics
Classification: Uncertain significance for Familial thoracic aortic aneurysm and aortic dissection. Last evaluated: 2026-03-11. Review status: criteria provided, single submitter. Criteria: Ambry Variant Classification Scheme 2023. Collection method: clinical testing. Allele origin: germline.
Comment: The c.131A>T (p.Q44L) alteration is located in exon 1 (coding exon 1) of the SKI gene. This alteration results from a A to T substitution at nucleotide position 131, causing the glutamine (Q) at amino acid position 44 to be replaced by a leucine (L). Based on data from gnomAD, the T allele has an overall frequency of <0.001% (0/90916) total alleles studied. The highest observed frequency was <0.001% (/) of alleles. Based on insufficient or conflicting evidence, the clinical significance of this alteration remains unclear.